The following is an entry in ClinVar:

NM_001199180.2(ATP2C1):c.62T>A (p.Ile21Asn)

Gene: ATP2C1 (ATPase secretory pathway Ca2+ transporting 1; plus strand). Cytogenetic location: 3q22.1.
Variant type: single nucleotide variant.
Coding change: c.62T>A on transcript NM_001199180.2; coding-DNA position 62, T replaced by A.
Protein change: p.Ile21Asn; replaces isoleucine 21 with asparagine.
Molecular consequence: missense variant.
Genome position (GRCh38, 1-based): chr3:130,850,882, T>A. VCF-style: chr3-130850882-T-A. GRCh37 (hg19) VCF-style: chr3-130569726-T-A.
Other names: c.62T>A, p.Ile21Asn (NM_001199181.3, NM_001199182.2, NM_001378511.1); short protein forms I21N.
Identifiers: ClinVar variation 3035209 (VCV003035209.2), dbSNP rs554783338, ClinGen allele CA83530175.

ClinVar aggregate classification (germline): Benign (0 of 4 stars; one submission).

Conditions:
ATP2C1-related disorder. Also called: ATP2C1-related condition.

Allele frequency attached by ClinVar (database versions not stated): 1000 Genomes Project 0.00220; gnomAD exomes 0.00013; 1000 Genomes Project 30x 0.00250; gnomAD 0.00147; TOPMed 0.00177.
gnomAD v4.1: 411 of 1,424,734 alleles (0.029%); highest among the groups gnomAD compares: African/African-American, 0.52%; 4 homozygotes.

Submission:

PreventionGenetics, part of Exact Sciences
Classification: Benign for ATP2C1-related condition. Last evaluated: 2019-03-19. Review status: no assertion criteria provided. Collection method: clinical testing. Allele origin: germline.
Comment: This variant is classified as benign based on ACMG/AMP sequence variant interpretation guidelines (Richards et al. 2015 PMID: 25741868, with internal and published modifications).